The following is an entry in ClinVar:

NM_018896.5(CACNA1G):c.3711C>T (p.Arg1237=)

Gene: CACNA1G (calcium voltage-gated channel subunit alpha1 G; plus strand). Cytogenetic location: 17q21.33.
Variant type: single nucleotide variant.
Coding change: c.3711C>T on transcript NM_018896.5 (MANE Select); coding-DNA position 3711, C replaced by T.
Protein change: p.Arg1237=; no amino-acid change (arginine 1237 retained).
Molecular consequence: synonymous variant. On other transcripts: non-coding transcript variant (5).
Genome position (GRCh38, 1-based): chr17:50,600,746, C>T. VCF-style: chr17-50600746-C-T. GRCh37 (hg19) VCF-style: chr17-48678107-C-T.
Other names: c.3711C>T, p.Arg1237= (NM_001256324.2, NM_001256325.2, NM_001256326.2 and 16 more transcripts); c.3642C>T, p.Arg1214= (NM_001256332.2, NM_198376.3, NM_198379.3 and 5 more transcripts).
Identifiers: ClinVar variation 717514 (VCV000717514.29), dbSNP rs186250346, ClinGen allele CA8652810.

ClinVar aggregate classification (germline): Benign/Likely benign. Review status: criteria provided, multiple submitters, no conflicts (2 of 4 stars). 4 submissions from 4 submitters: Benign (2); Likely benign (2). Last evaluated 2026-01-01.

Allele frequency attached by ClinVar (database versions not stated): gnomAD exomes 0.00043; ExAC 0.00057; gnomAD 0.00137 and 0.00143; 1000 Genomes Project 0.00140; 1000 Genomes Project 30x 0.00141; TOPMed 0.00172; ESP Exome Variant Server 0.00183.
gnomAD v4.1: 433 of 1,613,762 alleles (0.027%); highest among the groups gnomAD compares: African/African-American, 0.4%; no homozygotes.

Submissions (4):

CeGaT Center for Human Genetics Tuebingen
Classification: Likely benign. Last evaluated: 2026-01-01. Review status: criteria provided, single submitter. Criteria: CeGaT Center For Human Genetics Tuebingen Variant Classification Criteria Version 2. Collection method: clinical testing. Allele origin: germline. Affected: yes. Observed: 3 variant alleles.
Comment: CACNA1G: BP4, BP7, BS1

Labcorp Genetics (formerly Invitae), Labcorp
Classification: Benign. Last evaluated: 2025-07-22. Review status: criteria provided, single submitter. Criteria: Invitae Variant Classification Sherloc (09022015). Collection method: clinical testing. Allele origin: germline.

Blueprint Genetics
Classification: Likely benign. Last evaluated: 2024-03-11. Review status: criteria provided, single submitter. Criteria: ACMG Guidelines, 2015. Collection method: clinical testing. Allele origin: germline.

GeneDx
Classification: Benign. Last evaluated: 2021-09-17. Review status: criteria provided, single submitter. Criteria: GeneDx Variant Classification Process June 2021. Collection method: clinical testing. Allele origin: germline. Affected: yes.